The following is an entry in ClinVar:

ClinVar aggregate classification (germline): Uncertain significance (1 of 4 stars; one submission).

Submission:

Laboratory for Molecular Medicine, Mass General Brigham Personalized Medicine
Classification: Uncertain significance. Last evaluated: 2012-05-09. Review status: criteria provided, single submitter. Criteria: LMM Criteria. Collection method: clinical testing. Allele origin: germline. Observed: 1 variant allele.
Comment: Variant classified as Uncertain Significance - Favor Pathogenic. The Leu471Val v ariant in ACTN2 has not been reported in the literature nor previously identifie d by our laboratory. This variant was absent from 2 very large and broad popula tions (European and African American) screened by the NHLBI Exome Sequencing Pro ject. This low frequency is consistent with a disease causing role but insufficient to establish this with confidence. Comput ational analyses (biochemical amino acid properties, conservation, AlignGVGD, Po lyPhen2, and SIFT) suggest that this variant may impact the protein, though this information is not predictive enough to determine pathogenicity. Although this data supports that the Leu471Val variant may be pathogenic, additional studies a re needed to fully assess its clinical significance.

NM_001103.4(ACTN2):c.1411C>G (p.Leu471Val)

Gene: ACTN2 (actinin alpha 2; plus strand). Cytogenetic location: 1q43.
Variant type: single nucleotide variant.
Coding change: c.1411C>G on transcript NM_001103.4 (MANE Select); coding-DNA position 1411, C replaced by G.
Protein change: p.Leu471Val; replaces leucine 471 with valine.
Molecular consequence: missense variant.
Genome position (GRCh38, 1-based): chr1:236,747,671, C>G. VCF-style: chr1-236747671-C-G. GRCh37 (hg19) VCF-style: chr1-236910971-C-G.
Other names: c.1411C>G, p.Leu471Val (NM_001278343.2); c.787C>G, p.Leu263Val (NM_001278344.2); short protein forms L471V, L263V.
Identifiers: ClinVar variation 43907 (VCV000043907.4), dbSNP rs397516568, ClinGen allele CA133133.